The following is an entry in ClinVar:

NM_001101.5(ACTB):c.934A>G (p.Arg312Gly)

Gene: ACTB (actin beta; minus strand). Cytogenetic location: 7p22.1.
Variant type: single nucleotide variant.
Coding change: c.934A>G on transcript NM_001101.5 (MANE Select); coding-DNA position 934, A replaced by G.
Protein change: p.Arg312Gly; replaces arginine 312 with glycine.
Molecular consequence: missense variant.
Genome position (GRCh38, 1-based): chr7:5,528,054, T>C on the plus strand (A>G on the coding strand, the complement: ACTB is on the minus strand). VCF-style: chr7-5528054-T-C. GRCh37 (hg19) VCF-style: chr7-5567685-T-C.
Other names: p.Arg312Gly; short protein forms R312G.
Identifiers: ClinVar variation 4541262 (VCV004541262.1).

ClinVar aggregate classification (germline): Uncertain significance (1 of 4 stars; one submission).

Submission:

Mayo Clinic Laboratories, Mayo Clinic
Classification: Uncertain significance. Last evaluated: 2025-11-16. Review status: criteria provided, single submitter. Criteria: ACMG Guidelines, 2015. Collection method: clinical testing. Allele origin: germline. Observed: 1 variant allele.
Comment: PP2, PP3_moderate, PM2_supporting